The following is an entry in ClinVar:

NM_022552.5(DNMT3A):c.122C>T (p.Pro41Leu)

Gene: DNMT3A (DNA methyltransferase 3 alpha; minus strand). Cytogenetic location: 2p23.3.
Variant type: single nucleotide variant.
Coding change: c.122C>T on transcript NM_022552.5 (MANE Select); coding-DNA position 122, C replaced by T.
Protein change: p.Pro41Leu; replaces proline 41 with leucine.
Molecular consequence: missense variant. On other transcripts: non-coding transcript variant (1).
Genome position (GRCh38, 1-based): chr2:25,300,194, G>A on the plus strand (C>T on the coding strand, the complement: DNMT3A is on the minus strand). VCF-style: chr2-25300194-G-A. GRCh37 (hg19) VCF-style: chr2-25523063-G-A.
Other names: c.122C>T, p.Pro41Leu (NM_001320892.2, NM_175629.2, NM_175630.1); short protein forms P41L.
Identifiers: ClinVar variation 971222 (VCV000971222.11), dbSNP rs1398341368, ClinGen allele CA346251685.

ClinVar aggregate classification (germline): Uncertain significance. Review status: criteria provided, multiple submitters, no conflicts (2 of 4 stars). 2 submissions from 2 submitters: Uncertain significance (2). Last evaluated 2025-09-02.

Conditions:
DNMT3A-related disorder. Also called: DNMT3A-related disorders; DNMT3A-related condition.
Tatton-Brown-Rahman overgrowth syndrome. Also called: Tatton-Brown-Rahman syndrome; Tall stature-intellectual disability-facial dysmorphism syndrome. Identifiers: Orphanet 404443, MedGen C4014545, MONDO:0014382, OMIM 615879.

Allele frequency attached by ClinVar (database versions not stated): TOPMed 0.00001.

Submissions (2):

PreventionGenetics, part of Exact Sciences
Classification: Uncertain significance for DNMT3A-related condition. Last evaluated: 2025-09-02. Review status: criteria provided, single submitter. Criteria: ACMG Guidelines, 2015. Collection method: clinical testing. Allele origin: germline.
Comment: The DNMT3A c.122C>T variant is predicted to result in the amino acid substitution p.Pro41Leu. To our knowledge, this variant has not been reported in the literature or in a large population database (gnomAD), indicating this variant is rare. At this time, the clinical significance of this variant is uncertain due to the absence of conclusive functional and genetic evidence.

Labcorp Genetics (formerly Invitae), Labcorp
Classification: Uncertain significance for Tatton-Brown-Rahman overgrowth syndrome. Last evaluated: 2019-10-20. Review status: criteria provided, single submitter. Criteria: Invitae Variant Classification Sherloc (09022015). Collection method: clinical testing. Allele origin: germline.
Comment: This variant has not been reported in the literature in individuals with DNMT3A-related conditions. In summary, the available evidence is currently insufficient to determine the role of this variant in disease. Therefore, it has been classified as a Variant of Uncertain Significance. Algorithms developed to predict the effect of missense changes on protein structure and function are either unavailable or do not agree on the potential impact of this missense change (SIFT: "Deleterious"; PolyPhen-2: "Benign"; Align-GVGD: "Class C0"). This variant is not present in population databases (ExAC no frequency). This sequence change replaces proline with leucine at codon 41 of the DNMT3A protein (p.Pro41Leu). The proline residue is moderately conserved and there is a moderate physicochemical difference between proline and leucine.